The following is an entry in ClinVar:

ClinVar aggregate classification (germline): Uncertain significance (1 of 4 stars; one submission).

Conditions:
Hypoparathyroidism-retardation-dysmorphism syndrome (HRDS). Also called: SANJAD-SAKATI SYNDROME. Identifiers: Orphanet 2323, MedGen C1855840, MONDO:0009426, OMIM 241410.

Allele frequency attached by ClinVar (database versions not stated): gnomAD exomes below 0.00001.
gnomAD v4.1: 1 of 1,613,846 alleles (0.000062%); highest among the groups gnomAD compares: Non-Finnish European, 0.000085%; no homozygotes.

Submission:

Breda Genetics srl
Classification: Uncertain significance for Hypoparathyroidism-retardation-dysmorphism syndrome. Last evaluated: 2021-01-12. Review status: criteria provided, single submitter. Criteria: ACMG Guidelines, 2015. Collection method: clinical testing. Allele origin: germline. Inheritance: Autosomal recessive inheritance. Affected: yes. Observed: 1 variant allele, 1 heterozygote.
Comment: Based on allele frequency, in-silico prediction scores and a certain overlap with the clinical phenotype, we interpreted this variant at least as of uncertain significance. The lack of one or more of the following features has discouraged further investigations: lack of a possible second hit in autosomal recessive conditions, presence of healthy controls in databases for autosomal dominant conditions, presence of unmatching cardinal clinical features in the patient or in the known gene-disease association, and/or variant type outside the known gene mutational spectrum.

NM_003193.5(TBCE):c.155G>A (p.Ser52Asn)

Gene: TBCE (tubulin folding cofactor E; plus strand). Cytogenetic location: 1q42.3.
Variant type: single nucleotide variant.
Coding change: c.155G>A on transcript NM_003193.5 (MANE Select); coding-DNA position 155, G replaced by A.
Protein change: p.Ser52Asn; replaces serine 52 with asparagine.
Molecular consequence: missense variant. On other transcripts: intron variant (1).
Genome position (GRCh38, 1-based): chr1:235,401,557, G>A. VCF-style: chr1-235401557-G-A. GRCh37 (hg19) VCF-style: chr1-235564872-G-A.
Other names: c.155G>A, p.Ser52Asn (NM_001079515.3, NM_001287801.2); c.-210-12876G>A (NM_001287802.2); short protein forms S52N.
Identifiers: ClinVar variation 1299233 (VCV001299233.1), dbSNP rs2102857663, ClinGen allele CA344982133.